The following is an entry in ClinVar:

NM_001321217.2(B9D1):c.488G>A (p.Arg163Gln)

Gene: B9D1 (B9 domain containing 1; minus strand). Cytogenetic location: 17p11.2.
Variant type: single nucleotide variant.
Coding change: c.488G>A on transcript NM_001321217.2; coding-DNA position 488, G replaced by A.
Protein change: p.Arg163Gln; replaces arginine 163 with glutamine.
Molecular consequence: missense variant. On other transcripts: 3 prime UTR variant (1), intron variant (3).
Genome position (GRCh38, 1-based): chr17:19,341,311, C>T on the plus strand (G>A on the coding strand, the complement: B9D1 is on the minus strand). VCF-style: chr17-19341311-C-T. GRCh37 (hg19) VCF-style: chr17-19244624-C-T.
Other names: c.*2399G>A (NM_001321215.3); c.112+2479G>A (NM_001368769.2); c.405-3563G>A (NM_001321219.2); c.472+2479G>A (NM_001321218.2); short protein forms R163Q.
Identifiers: ClinVar variation 4934252 (VCV004934252.2).

ClinVar aggregate classification (germline): Conflicting classifications of pathogenicity. Review status: criteria provided, conflicting classifications (1 of 4 stars). 2 submissions from 2 submitters: Uncertain significance (1); Likely benign (1). Last evaluated 2026-02-23.

Conditions:
B9D1-related disorder. Also called: B9D1-related condition; B9D1-related disorders.

gnomAD v4.1: 1,075 of 1,231,974 alleles (0.087%); highest among the groups gnomAD compares: Non-Finnish European, 0.098%; no homozygotes.

Submissions (2):

PreventionGenetics, part of Exact Sciences
Classification: Uncertain significance for B9D1-related condition. Last evaluated: 2026-02-23. Review status: criteria provided, single submitter. Criteria: ACMG Guidelines, 2015. Collection method: clinical testing. Allele origin: germline.
Comment: The B9D1 c.488G>A variant is predicted to result in the amino acid substitution p.Arg163Gln. To our knowledge, this variant has not been reported in the literature. This variant is reported in 0.080% of alleles in individuals of African descent in gnomAD. Although we suspect that this variant may be benign, at this time, the clinical significance of this variant is uncertain due to the absence of conclusive functional and genetic evidence.

Blueprint Genetics
Classification: Likely benign. Last evaluated: 2024-10-22. Review status: criteria provided, single submitter. Criteria: ACMG Guidelines, 2015. Collection method: clinical testing. Allele origin: germline.